The following is an entry in ClinVar:

ClinVar aggregate classification (germline): Uncertain significance. Review status: criteria provided, multiple submitters, no conflicts (2 of 4 stars). 2 submissions from 2 submitters: Uncertain significance (2). Last evaluated 2025-01-29.

Conditions:
Inborn genetic diseases. Identifiers: MedGen C0950123, MeSH D030342.

Allele frequency attached by ClinVar (database versions not stated): gnomAD exomes below 0.00001; ExAC 0.00001; TOPMed 0.00003; gnomAD 0.00001.
gnomAD v4.1: 5 of 1,613,224 alleles (0.00031%); highest among the groups gnomAD compares: African/African-American, 0.0067%; no homozygotes.

Submissions (2):

Labcorp Genetics (formerly Invitae), Labcorp
Classification: Uncertain significance. Last evaluated: 2025-01-29. Review status: criteria provided, single submitter. Criteria: Invitae Variant Classification Sherloc (09022015). Collection method: clinical testing. Allele origin: germline.
Comment: This sequence change replaces glutamine, which is neutral and polar, with arginine, which is basic and polar, at codon 179 of the KDM1A protein (p.Gln179Arg). This variant is present in population databases (rs759385298, gnomAD 0.01%). This variant has not been reported in the literature in individuals affected with KDM1A-related conditions. ClinVar contains an entry for this variant (Variation ID: 2255502). An algorithm developed to predict the effect of missense changes on protein structure and function (PolyPhen-2) suggests that this variant is likely to be tolerated. In summary, the available evidence is currently insufficient to determine the role of this variant in disease. Therefore, it has been classified as a Variant of Uncertain Significance.

Ambry Genetics
Classification: Uncertain significance for Inborn genetic diseases. Last evaluated: 2021-11-19. Review status: criteria provided, single submitter. Criteria: Ambry Variant Classification Scheme 2023. Collection method: clinical testing. Allele origin: germline.
Comment: The c.536A>G (p.Q179R) alteration is located in exon 3 (coding exon 3) of the KDM1A gene. This alteration results from an A to G substitution at nucleotide position 536, causing the glutamine (Q) at amino acid position 179 to be replaced by an arginine (R). Based on data from gnomAD, the G allele has an overall frequency of 0.0008% (2/248680) total alleles studied. The highest observed frequency was 0.01% (2/15402) of African alleles. This amino acid position is highly conserved in available vertebrate species. This alteration is predicted to be tolerated by in silico analysis. Based on insufficient or conflicting evidence, the clinical significance of this alteration remains unclear.

NM_001009999.3(KDM1A):c.536A>G (p.Gln179Arg)

Gene: KDM1A (lysine demethylase 1A; plus strand). Cytogenetic location: 1p36.12.
Variant type: single nucleotide variant.
Coding change: c.536A>G on transcript NM_001009999.3 (MANE Select); coding-DNA position 536, A replaced by G.
Protein change: p.Gln179Arg; replaces glutamine 179 with arginine.
Molecular consequence: missense variant. On other transcripts: intron variant (2).
Genome position (GRCh38, 1-based): chr1:23,044,445, A>G. VCF-style: chr1-23044445-A-G. GRCh37 (hg19) VCF-style: chr1-23370938-A-G.
Other names: c.536A>G, p.Gln179Arg (NM_001410762.1); c.518-5942A>G (NM_001363654.2, NM_015013.4); short protein forms Q179R.
Identifiers: ClinVar variation 2255502 (VCV002255502.3), dbSNP rs759385298, ClinGen allele CA679483.